The following is an entry in ClinVar:

NM_001197104.2(KMT2A):c.8668C>T (p.Arg2890Cys)

Gene: KMT2A (lysine methyltransferase 2A; plus strand). Cytogenetic location: 11q23.3.
Variant type: single nucleotide variant.
Coding change: c.8668C>T on transcript NM_001197104.2 (MANE Select); coding-DNA position 8668, C replaced by T.
Protein change: p.Arg2890Cys; replaces arginine 2890 with cysteine.
Molecular consequence: missense variant.
Genome position (GRCh38, 1-based): chr11:118,504,560, C>T. VCF-style: chr11-118504560-C-T. GRCh37 (hg19) VCF-style: chr11-118375275-C-T.
Other names: c.8758C>T, p.Arg2920Cys (NM_001412597.1); c.8659C>T, p.Arg2887Cys (NM_005933.4); short protein forms R2920C, R2887C, R2890C.
Identifiers: ClinVar variation 4774478 (VCV004774478.1).
Genomic context (GRCh38, chr11:118,504,560, plus strand): 5'-CCAGAGTCATCTTCATCAGAACTCCTGAATCTTGGTGAAGGATTGGGTCTTGACAGTAAT[C>T]GTGAAAAAGACATGGGTCTTTTTGAAGTATTTTCTCAGCAGCTGCCTACAACAGAACCTG-3'
Protein context (NP_001184033.1, residues 2880-2900): LGEGLGLDSN[Arg2890Cys]EKDMGLFEVF

ClinVar aggregate classification (germline): Uncertain significance (1 of 4 stars; one submission).

Submission:

Labcorp Genetics (formerly Invitae), Labcorp
Classification: Uncertain significance. Last evaluated: 2025-11-05. Review status: criteria provided, single submitter. Criteria: Invitae Variant Classification Sherloc (09022015). Collection method: clinical testing. Allele origin: germline.
Comment: This sequence change replaces arginine, which is basic and polar, with cysteine, which is neutral and slightly polar, at codon 2890 of the KMT2A protein (p.Arg2890Cys). This variant is not present in population databases (gnomAD no frequency). This variant has not been reported in the literature in individuals affected with KMT2A-related conditions. Invitae Evidence Modeling of protein sequence and biophysical properties (such as structural, functional, and spatial information, amino acid conservation, physicochemical variation, residue mobility, and thermodynamic stability) has been performed for this missense variant. However, the output from this modeling did not meet the statistical confidence thresholds required to predict the impact of this variant on KMT2A protein function. In summary, the available evidence is currently insufficient to determine the role of this variant in disease. Therefore, it has been classified as a Variant of Uncertain Significance.